The following is an entry in ClinVar:

ClinVar aggregate classification (germline): Likely benign. Review status: criteria provided, multiple submitters, no conflicts (2 of 4 stars). 2 submissions from 2 submitters: Likely benign (2). Last evaluated 2025-06-16.

Conditions:
RLBP1-related disorder. Also called: RLBP1-related condition; RLBP1-related disorders. Identifiers: MedGen CN239413.

Allele frequency attached by ClinVar (database versions not stated): gnomAD 0.00002; TOPMed 0.00002; gnomAD exomes 0.00006; ESP Exome Variant Server 0.00008; ExAC 0.00009.
gnomAD v4.1: 33 of 1,614,028 alleles (0.002%); highest among the groups gnomAD compares: Admixed American, 0.0033%; no homozygotes.

Submissions (2):

PreventionGenetics, part of Exact Sciences
Classification: Likely benign for RLBP1-related condition. Last evaluated: 2025-06-16. Review status: criteria provided, single submitter. Criteria: ACMG Guidelines, 2015. Collection method: clinical testing. Allele origin: germline.
Comment: This variant is classified as likely benign based on ACMG/AMP sequence variant interpretation guidelines (Richards et al. 2015 PMID: 25741868, with internal and published modifications).

Labcorp Genetics (formerly Invitae), Labcorp
Classification: Likely benign. Last evaluated: 2024-01-29. Review status: criteria provided, single submitter. Criteria: Invitae Variant Classification Sherloc (09022015). Collection method: clinical testing. Allele origin: germline.

NM_000326.5(RLBP1):c.108G>A (p.Pro36=)

Gene: RLBP1 (retinaldehyde binding protein 1; minus strand). Cytogenetic location: 15q26.1.
Variant type: single nucleotide variant.
Coding change: c.108G>A on transcript NM_000326.5 (MANE Select); coding-DNA position 108, G replaced by A.
Protein change: p.Pro36=; no amino-acid change (proline 36 retained).
Molecular consequence: synonymous variant.
Genome position (GRCh38, 1-based): chr15:89,218,598, C>T on the plus strand (G>A on the coding strand, the complement: RLBP1 is on the minus strand). VCF-style: chr15-89218598-C-T. GRCh37 (hg19) VCF-style: chr15-89761829-C-T.
Other names: c.108G>A (NM_000326.4).
Identifiers: ClinVar variation 1553509 (VCV001553509.9), dbSNP rs371167491, ClinGen allele CA7722393.
Genomic context (GRCh38, chr15:89,218,598, plus strand): 5'-TCCTCTCCGCACTGTCAGCCACCTCACCTTCTGCAAGGTGTGGCGGGGCAGCTGGCTGCA[C>T]GGGCCAAAGACAGGTCCATGGTCCTTGGTTGTGAGCTGCTCCAGTTGGGCACGGAGCTCC-3'
Protein context (NP_000317.1, residues 26-46): TTKDHGPVFG[Pro36=]CSQLPRHTLQ